The following is an entry in ClinVar:

NM_020376.4(PNPLA2):c.326A>G (p.His109Arg)

Gene: PNPLA2 (patatin like domain 2, triacylglycerol lipase; plus strand). Cytogenetic location: 11p15.5.
Variant type: single nucleotide variant.
Coding change: c.326A>G on transcript NM_020376.4 (MANE Select); coding-DNA position 326, A replaced by G.
Protein change: p.His109Arg; replaces histidine 109 with arginine.
Molecular consequence: missense variant.
Genome position (GRCh38, 1-based): chr11:821,766, A>G. VCF-style: chr11-821766-A-G. GRCh37 (hg19) VCF-style: chr11-821766-A-G.
Other names: short protein forms H109R.
Identifiers: ClinVar variation 306294 (VCV000306294.16), dbSNP rs200683247, ClinGen allele CA5790941.

ClinVar aggregate classification (germline): Conflicting classifications of pathogenicity. Review status: criteria provided, conflicting classifications (1 of 4 stars). 7 submissions from 7 submitters: Uncertain significance (5); Likely benign (2). Last evaluated 2025-05-13.

Conditions:
Neutral lipid storage myopathy (NLSDM). Also called: NEUTRAL LIPID STORAGE DISEASE WITHOUT ICHTHYOSIS. Identifiers: Orphanet 98908, MedGen C1853136, MONDO:0012545, OMIM 610717.

Allele frequency attached by ClinVar (database versions not stated): gnomAD exomes 0.00005 and 0.00014; gnomAD 0.00007; ExAC 0.00010; TOPMed 0.00011.

Submissions (7):

Revvity Omics, Revvity
Classification: Uncertain significance for Neutral lipid storage myopathy. Last evaluated: 2025-05-13. Review status: criteria provided, single submitter. Criteria: ACMG Guidelines, 2015. Collection method: clinical testing. Allele origin: germline.

Blueprint Genetics
Classification: Likely benign. Last evaluated: 2024-11-22. Review status: criteria provided, single submitter. Criteria: ACMG Guidelines, 2015. Collection method: clinical testing. Allele origin: germline.

3billion
Classification: Likely benign for Neutral lipid storage myopathy. Last evaluated: 2024-09-20. Review status: criteria provided, single submitter. Criteria: ACMG Guidelines, 2015. Collection method: clinical testing. Allele origin: germline. Affected: no.
Comment: The homozygous variant was found in patients diagnosed with another variant in a different gene, with no symptoms related to the gene containing the homozygous variant.

Labcorp Genetics (formerly Invitae), Labcorp
Classification: Uncertain significance for Neutral lipid storage myopathy. Last evaluated: 2023-10-03. Review status: criteria provided, single submitter. Criteria: Invitae Variant Classification Sherloc (09022015). Collection method: clinical testing. Allele origin: germline.
Comment: This sequence change replaces histidine, which is basic and polar, with arginine, which is basic and polar, at codon 109 of the PNPLA2 protein (p.His109Arg). This variant is present in population databases (rs200683247, gnomAD 0.06%). This variant has not been reported in the literature in individuals affected with PNPLA2-related conditions. ClinVar contains an entry for this variant (Variation ID: 306294). Advanced modeling of protein sequence and biophysical properties (such as structural, functional, and spatial information, amino acid conservation, physicochemical variation, residue mobility, and thermodynamic stability) performed at Invitae indicates that this missense variant is not expected to disrupt PNPLA2 protein function. In summary, the available evidence is currently insufficient to determine the role of this variant in disease. Therefore, it has been classified as a Variant of Uncertain Significance.

Baylor Genetics
Classification: Uncertain significance for Neutral lipid storage myopathy. Last evaluated: 2019-08-08. Review status: criteria provided, single submitter. Criteria: ACMG Guidelines, 2015. Collection method: clinical testing. Allele origin: unknown. Affected: yes.
Comment: This variant was determined to be of uncertain significance according to ACMG Guidelines, 2015 [PMID:25741868].

Illumina Laboratory Services, Illumina
Classification: Uncertain significance for Neutral lipid storage myopathy. Last evaluated: 2018-01-13. Review status: criteria provided, single submitter. Criteria: ICSL Variant Classification Criteria 13 December 2019. Collection method: clinical testing. Allele origin: germline.

Breakthrough Genomics
Classification: Uncertain significance. Review status: criteria provided, single submitter. Criteria: ACMG Guidelines, 2015. Collection method: not provided. Allele origin: germline. Inheritance: Autosomal recessive inheritance. Affected: yes.